The following is an entry in ClinVar:

ClinVar aggregate classification (germline): Pathogenic. Review status: criteria provided, multiple submitters, no conflicts (2 of 4 stars). 3 submissions from 3 submitters: Pathogenic (3). Last evaluated 2022-03-15.

Conditions:
Neurofibromatosis, type 1 (NF1). Also called: VON RECKLINGHAUSEN DISEASE; NEUROFIBROMATOSIS, TYPE I, SOMATIC; Peripheral type neurofibromatosis; Neurofibromatosis, type I. Identifiers: Orphanet 636, MedGen C0027831, MONDO:0018975, OMIM 162200. Disease mechanism: loss of function.

Submissions (3):

Genome-Nilou Lab
Classification: Pathogenic for Neurofibromatosis, type 1. Last evaluated: 2022-03-15. Review status: criteria provided, single submitter. Criteria: ACMG Guidelines, 2015. Collection method: clinical testing. Allele origin: germline. Affected: no.

Labcorp Genetics (formerly Invitae), Labcorp
Classification: Pathogenic for Neurofibromatosis, type 1. Last evaluated: 2021-11-04. Review status: criteria provided, single submitter. Criteria: Invitae Variant Classification Sherloc (09022015). Collection method: clinical testing. Allele origin: germline.
Comment: This sequence change creates a premature translational stop signal (p.Pro2634Leufs*24) in the NF1 gene. It is expected to result in an absent or disrupted protein product. Loss-of-function variants in NF1 are known to be pathogenic (PMID: 10712197, 23913538). For these reasons, this variant has been classified as Pathogenic. ClinVar contains an entry for this variant (Variation ID: 618756). This variant is also known as c.7900delC. This premature translational stop signal has been observed in individual(s) with neurofibromatosis type 1 (PMID: 15146469). This variant is not present in population databases (gnomAD no frequency).

ARUP Laboratories, Molecular Genetics and Genomics, ARUP Laboratories
Classification: Pathogenic. Last evaluated: 2017-12-21. Review status: criteria provided, single submitter. Criteria: ARUP Molecular Germline Variant Investigation Process. Collection method: clinical testing. Allele origin: germline.
Comment: The NF1 c.7964delC; p.Pro2655fs variant (also published as c.7900delC) is reported in the medical literature in an individual with neurofibromatosis type I (De Luca 2004). The variant is not listed in the ClinVar database, in the dbSNP variant database, or in the population-based databases (Exome Variant Server, Genome Aggregation Database). This variant deletes one nucleotide, causes a frameshift, and is predicted to result in a truncated protein or mRNA subject to non-sense mediated decay. Considering available information, this variant is classified as pathogenic. References: De Luca A et al. Novel and recurrent mutations in the NF1 gene in Italian patients with neurofibromatosis type 1. Hum Mutat. 2004 Jun;23(6):629.

Literature cited by the submitters: PubMed 10712197 (cited by Labcorp Genetics (formerly Invitae), Labcorp); PubMed 23913538 (cited by Labcorp Genetics (formerly Invitae), Labcorp); PubMed 15146469 (cited by Labcorp Genetics (formerly Invitae), Labcorp).

NM_001042492.3(NF1):c.7964del (p.Pro2655fs)

Gene: NF1 (neurofibromin 1; plus strand). Cytogenetic location: 17q11.2.
Variant type: Deletion.
Coding change: c.7964del on transcript NM_001042492.3 (MANE Select); coding-DNA position 7964, one base deleted (C; older notation c.7964delC).
Protein change: p.Pro2655fs; shifts the reading frame from proline 2655.
Molecular consequence: frameshift variant.
Genome position (GRCh38, 1-based): chr17:31,357,363, C deleted; the last of 2 consecutive C bases (chr17:31,357,362-31,357,363); deleting either gives the same sequence. VCF-style (leftmost placement, unchanged base first): chr17-31357361-TC-T. GRCh37 (hg19) VCF-style: chr17-29684379-TC-T.
Other names: c.7901delC (NM_000267.3); c.7901delC, p.Pro2634Leufs (NM_000267.4); short protein forms P2634fs, P2655fs.
Identifiers: ClinVar variation 618756 (VCV000618756.14), dbSNP rs1567627268, ClinGen allele CA913191001.